The following is an entry in ClinVar:

NM_001394062.1(MACF1):c.21491G>A (p.Arg7164His)

Gene: MACF1 (microtubule actin crosslinking factor 1; plus strand). Cytogenetic location: 1p34.3.
Variant type: single nucleotide variant.
Coding change: c.21491G>A on transcript NM_001394062.1 (MANE Select); coding-DNA position 21491, G replaced by A.
Protein change: p.Arg7164His; replaces arginine 7164 with histidine.
Molecular consequence: missense variant.
Genome position (GRCh38, 1-based): chr1:39,460,762, G>A. VCF-style: chr1-39460762-G-A. GRCh37 (hg19) VCF-style: chr1-39926434-G-A.
Other names: c.9569G>A, p.Arg3190His (NM_001397473.1); c.15314G>A, p.Arg5105His (NM_012090.5); short protein forms R3190H, R5105H, R7164H.
Identifiers: ClinVar variation 3371925 (VCV003371925.1).
Genomic context (GRCh38, chr1:39,460,762, plus strand): 5'-AGTCTCGAGTGATGGATTTCTTCCGGCGCATTGATAAGGACCAGGATGGGAAGATAACAC[G>A]TCAGGAGTTTATCGATGGCATTTTAGCATCCAGTGAGTCTAGTCATCATTCCAAACATGG-3'
Protein context (NP_001380991.1, residues 7154-7174): IDKDQDGKIT[Arg7164His]QEFIDGILAS

ClinVar aggregate classification (germline): Uncertain significance (1 of 4 stars; one submission).

Submission:

GeneDx
Classification: Uncertain significance. Last evaluated: 2024-04-05. Review status: criteria provided, single submitter. Criteria: GeneDx Variant Classification Process June 2021. Collection method: clinical testing. Allele origin: germline. Affected: yes.
Comment: Not observed at significant frequency in large population cohorts (gnomAD); In silico analysis supports that this missense variant has a deleterious effect on protein structure/function; Has not been previously published as pathogenic or benign to our knowledge